The following is an entry in ClinVar:

NM_000138.5(FBN1):c.8097A>T (p.Pro2699=)

Gene: FBN1 (fibrillin 1; minus strand). Cytogenetic location: 15q21.1.
Variant type: single nucleotide variant.
Coding change: c.8097A>T on transcript NM_000138.5 (MANE Select); coding-DNA position 8097, A replaced by T.
Protein change: p.Pro2699=; no amino-acid change (proline 2699 retained).
Molecular consequence: synonymous variant.
Genome position (GRCh38, 1-based): chr15:48,412,698, T>A on the plus strand (A>T on the coding strand, the complement: FBN1 is on the minus strand). VCF-style: chr15-48412698-T-A. GRCh37 (hg19) VCF-style: chr15-48704895-T-A.
Other names: c.8097A>T, p.Pro2699= (NM_001406716.1).
Identifiers: ClinVar variation 3072693 (VCV003072693.1), dbSNP rs2505375684, ClinGen allele CA490014751.
Genomic context (GRCh38, chr15:48,412,698, plus strand): 5'-CTTACACTCGTAACAAGCCTCTGGGGAGAGTGAATTGTCATCCATTTCACCACTGACAGG[T>A]GGCTCTGGGTTTCCTCGGCCCATGCCCATTCCAGAAACACAGTGCCTGCAGCAGAAGGGG-3'
Protein context (NP_000129.3, residues 2689-2709): GMGMGRGNPE[Pro2699=]PVSGEMDDNS

ClinVar aggregate classification (germline): Likely benign (1 of 4 stars; one submission).

Conditions:
Marfan syndrome (MFS). Also called: MARFAN SYNDROME, TYPE I; Marfan syndrome type 1; Marfan's syndrome; Marfan syndrome, classic; FBN1-Related Marfan Syndrome. Identifiers: Orphanet 284963, Orphanet 558, MedGen C0024796, MONDO:0007947, OMIM 154700.

Submission:

All of Us Research Program, National Institutes of Health
Classification: Likely benign for Marfan syndrome. Last evaluated: 2023-08-15. Review status: criteria provided, single submitter. Criteria: ACMG Guidelines, 2015. Collection method: clinical testing. Allele origin: germline. Inheritance: Autosomal dominant inheritance. Observed: 1 variant allele, 1 heterozygote.
Comment: This study involves interpretation of variants in research participants for the purpose of population health screening. Participant phenotype was not available at the time of variant classification. Additional details can be found in publication PMID: 35346344, PMCID: PMC8962531